The following is an entry in ClinVar:

ClinVar aggregate classification (germline): Uncertain significance. Review status: criteria provided, multiple submitters, no conflicts (2 of 4 stars). 4 submissions from 4 submitters: Uncertain significance (3). 1 of the submissions does not count toward it. Last evaluated 2024-06-26.

Conditions:
BLOOD GROUP--SWANN SYSTEM (SW). Also called: SWANN BLOOD GROUP. Identifiers: MedGen C1832169, OMIM 601550.
BLOOD GROUP, WALDNER (WD). Also called: WALDNER BLOOD GROUP ANTIGEN. Identifiers: MedGen C1862191, OMIM 112010.
BLOOD GROUP--FROESE (FR). Also called: FROESE BLOOD GROUP ANTIGEN. Identifiers: MedGen C1832168, OMIM 601551.
BLOOD GROUP--WRIGHT ANTIGEN (WR). Identifiers: MedGen C1862190, OMIM 112050.
Hereditary spherocytosis type 4. Also called: SLC4A1-Related Spherocytosis. Identifiers: Orphanet 822, MedGen C2675212, MONDO:0012981, OMIM 612653.
BLOOD GROUP--DIEGO SYSTEM (DI). Identifiers: MedGen C1292286, OMIM 110500.
Cryohydrocytosis. Also called: STOMATOCYTOSIS, COLD-SENSITIVE; CRYOHYDROCYTOSIS DUE TO BAND 3 HEMEL; CRYOHYDROCYTOSIS DUE TO BAND 3 HURSTPIERPOINT; CRYOHYDROCYTOSIS DUE TO BAND 3 BLACKBURN; Hereditary cryohydrocytosis with normal stomatin. Identifiers: Orphanet 398088, MedGen C1861453, MONDO:0008494, OMIM 185020.
Autosomal dominant distal renal tubular acidosis (DRTA1). Also called: RENAL TUBULAR ACIDOSIS, DISTAL, 1; RTA, CLASSIC TYPE; RTA, DISTAL TYPE, AUTOSOMAL DOMINANT; RTA, GRADIENT TYPE; Renal Tubular Acidosis, Type I. Identifiers: Orphanet 93608, MedGen CN280572, MONDO:0008368, OMIM 179800.
Renal tubular acidosis, distal, 4, with hemolytic anemia. Also called: Renal Tubular Acidosis, Distal, with Hemolytic Anemia. Identifiers: Orphanet 93610, MedGen C5436235, MONDO:0012700, OMIM 611590.
Southeast Asian ovalocytosis. Also called: HE, STOMATOCYTIC; Elliptocytosis 4; Stomatocytic elliptocytosis, hereditary; Ovalocytosis, Malaysian-Melanesian-Filipino type. Identifiers: Orphanet 98868, MedGen C1862322, MONDO:0008165, OMIM 166900.
Malaria, susceptibility to. Identifiers: Orphanet 673, MedGen C1970028, MONDO:0021024, OMIM 611162.
SLC4A1-related disorder. Also called: SLC4A1-related condition; SLC4A1-related disorders.

Allele frequency attached by ClinVar (database versions not stated): gnomAD exomes 0.00004 and 0.00001; TOPMed 0.00002; gnomAD 0.00003.

Submissions (4):

Revvity Omics, Revvity
Classification: Uncertain significance. Last evaluated: 2024-06-26. Review status: criteria provided, single submitter. Criteria: ACMG Guidelines, 2015. Collection method: clinical testing. Allele origin: germline.

Fulgent Genetics
Classification: Uncertain significance for BLOOD GROUP--DIEGO SYSTEM; BLOOD GROUP, WALDNER; BLOOD GROUP--WRIGHT ANTIGEN; Southeast Asian ovalocytosis; Autosomal dominant distal renal tubular acidosis; Cryohydrocytosis; BLOOD GROUP--SWANN SYSTEM; BLOOD GROUP--FROESE; Malaria, susceptibility to; Renal tubular acidosis, distal, 4, with hemolytic anemia; Hereditary spherocytosis type 4. Last evaluated: 2022-05-08. Review status: criteria provided, single submitter. Criteria: ACMG Guidelines, 2015. Collection method: clinical testing. Allele origin: unknown.

Labcorp Genetics (formerly Invitae), Labcorp
Classification: Uncertain significance. Last evaluated: 2021-06-28. Review status: criteria provided, single submitter. Criteria: Invitae Variant Classification Sherloc (09022015). Collection method: clinical testing. Allele origin: germline.
Comment: In summary, the available evidence is currently insufficient to determine the role of this variant in disease. Therefore, it has been classified as a Variant of Uncertain Significance. Algorithms developed to predict the effect of sequence changes on RNA splicing suggest that this variant may disrupt the consensus splice site, but this prediction has not been confirmed by published transcriptional studies. This variant has not been reported in the literature in individuals with SLC4A1-related conditions. This variant is not present in population databases (ExAC no frequency). This sequence change falls in intron 9 of the SLC4A1 gene. It does not directly change the encoded amino acid sequence of the SLC4A1 protein.

PreventionGenetics, part of Exact Sciences
Classification: Likely benign for SLC4A1-related condition. Last evaluated: 2021-05-10. Review status: no assertion criteria provided. Collection method: clinical testing. Allele origin: germline. Not counted in ClinVar's aggregate classification.
Comment: This variant is classified as likely benign based on ACMG/AMP sequence variant interpretation guidelines (Richards et al. 2015 PMID: 25741868, with internal and published modifications).

NM_000342.4(SLC4A1):c.877-3dup

Gene: SLC4A1 (solute carrier family 4 member 1 (Diego blood group); minus strand). Cytogenetic location: 17q21.31.
Variant type: Duplication.
Coding change: c.877-3dup on transcript NM_000342.4 (MANE Select); 3 bases into the intron before coding-DNA position 877, one base duplicated (T; older notation c.877-3dupT).
Molecular consequence: intron variant.
Genome position (GRCh38, 1-based): chr17:44,258,626, A duplicated on the plus strand (T on the coding strand, the reverse complement: SLC4A1 is on the minus strand). VCF-style (leftmost placement, unchanged base first): chr17-44258625-T-TA. GRCh37 (hg19) VCF-style: chr17-42335993-T-TA.
Other names: c.877-3dupT (NM_000342.3).
Identifiers: ClinVar variation 1499211 (VCV001499211.13), dbSNP rs747181893, ClinGen allele CA290932141.